The following is an entry in ClinVar:

ClinVar aggregate classification (germline): Uncertain significance. Review status: criteria provided, multiple submitters, no conflicts (2 of 4 stars). 2 submissions from 2 submitters: Uncertain significance (2). Last evaluated 2024-04-30.

Conditions:
Charcot-Marie-Tooth disease type 4A. Also called: Charcot-Marie-Tooth disease, demyelinating, autosomal recessive, type 4a. Identifiers: Orphanet 99948, MedGen C1859198, MONDO:0008961, OMIM 214400.

Submissions (2):

Labcorp Genetics (formerly Invitae), Labcorp
Classification: Uncertain significance for Charcot-Marie-Tooth disease type 4A. Last evaluated: 2024-04-30. Review status: criteria provided, single submitter. Criteria: Invitae Variant Classification Sherloc (09022015). Collection method: clinical testing. Allele origin: germline.
Comment: This sequence change replaces methionine, which is neutral and non-polar, with valine, which is neutral and non-polar, at codon 133 of the GDAP1 protein (p.Met133Val). This variant is present in population databases (rs368695731, gnomAD 0.06%). This variant has not been reported in the literature in individuals affected with GDAP1-related conditions. Advanced modeling of protein sequence and biophysical properties (such as structural, functional, and spatial information, amino acid conservation, physicochemical variation, residue mobility, and thermodynamic stability) performed at Invitae indicates that this missense variant is not expected to disrupt GDAP1 protein function with a negative predictive value of 80%. This variant disrupts the p.Met133 amino acid residue in GDAP1. Other variant(s) that disrupt this residue have been determined to be pathogenic (PMID: 26392352, 32376792; Invitae). This suggests that this residue is clinically significant, and that variants that disrupt this residue are likely to be disease-causing. In summary, the available evidence is currently insufficient to determine the role of this variant in disease. Therefore, it has been classified as a Variant of Uncertain Significance.

Mayo Clinic Laboratories, Mayo Clinic
Classification: Uncertain significance. Last evaluated: 2023-09-18. Review status: criteria provided, single submitter. Criteria: ACMG Guidelines, 2015. Collection method: clinical testing. Allele origin: germline. Observed: 1 variant allele.

Literature cited by the submitters: PubMed 26392352 (cited by Labcorp Genetics (formerly Invitae), Labcorp); PubMed 32376792 (cited by Labcorp Genetics (formerly Invitae), Labcorp).

NM_018972.4(GDAP1):c.397A>G (p.Met133Val)

Gene: GDAP1 (ganglioside induced differentiation associated protein 1; plus strand). Cytogenetic location: 8q21.11.
Variant type: single nucleotide variant.
Coding change: c.397A>G on transcript NM_018972.4 (MANE Select); coding-DNA position 397, A replaced by G.
Protein change: p.Met133Val; replaces methionine 133 with valine.
Molecular consequence: missense variant. On other transcripts: intron variant (1).
Genome position (GRCh38, 1-based): chr8:74,360,223, A>G. VCF-style: chr8-74360223-A-G. GRCh37 (hg19) VCF-style: chr8-75272458-A-G.
Other names: p.Met133Val; c.193A>G, p.Met65Val (NM_001040875.4); c.70A>G, p.Met24Val (NM_001362929.2, NM_001362932.2); c.397A>G, p.Met133Val (NM_001362931.2); c.311-1661A>G (NM_001362930.2); short protein forms M133V, M24V, M65V.
Identifiers: ClinVar variation 3379825 (VCV003379825.3).
Genomic context (GRCh38, chr8:74,360,223, plus strand): 5'-AAAGAAAGCATGTATTACCCACGGGTACAACATTACCGAGAGCTGCTTGACTCCTTGCCA[A>G]TGGATGCCTATACACATGGCTGCATTTTACATCCTGAGTTAACTGTGGACTCCATGATCC-3'
Protein context (NP_061845.2, residues 123-143): HYRELLDSLP[Met133Val]DAYTHGCILH